The following is an entry in ClinVar:

ClinVar aggregate classification (germline): Uncertain significance. Review status: criteria provided, multiple submitters, no conflicts (2 of 4 stars). 2 submissions from 2 submitters: Uncertain significance (2). Last evaluated 2025-06-09.

Conditions:
Familial thoracic aortic aneurysm and aortic dissection (TAAD). Also called: Thoracic aortic aneurysms and dissections. Identifiers: Orphanet 91387, MedGen C4707243, MONDO:0019625.

gnomAD v4.1: 2 of 1,614,096 alleles (0.00012%); highest among the groups gnomAD compares: African/African-American, 0.0027%; no homozygotes.

Submissions (2):

Color Diagnostics, LLC DBA Color Health
Classification: Uncertain significance for Familial thoracic aortic aneurysm and aortic dissection. Last evaluated: 2025-06-09. Review status: criteria provided, single submitter. Criteria: ACMG Guidelines, 2015. Collection method: clinical testing. Allele origin: germline.
Comment: This variant causes a G to C nucleotide substitution at the +5 position of intron 14 of the MYH11 gene. To our knowledge, functional studies have not been reported for this variant. This variant has not been reported in individuals affected with MYH11-related disorders in the literature. This variant has not been identified in the general population by the Genome Aggregation Database (gnomAD). The available evidence is insufficient to determine the role of this variant in disease conclusively. Therefore, this variant is classified as a Variant of Uncertain Significance.

GeneDx
Classification: Uncertain significance. Last evaluated: 2025-04-23. Review status: criteria provided, single submitter. Criteria: GeneDx Variant Classification Process June 2021. Collection method: clinical testing. Allele origin: germline. Affected: yes.
Comment: Not observed at significant frequency in large population cohorts (gnomAD); Intronic variant directly or indirectly altering the +5 splice site in a gene for which loss of function is a known mechanism of disease, and splice predictors support a deleterious effect; Has not been previously published as pathogenic or benign to our knowledge

NM_002474.3(MYH11):c.1575+5G>C

Gene: MYH11 (myosin heavy chain 11; minus strand). Cytogenetic location: 16p13.11.
Variant type: single nucleotide variant.
Coding change: c.1575+5G>C on transcript NM_002474.3 (MANE Select); 5 bases into the intron after coding-DNA position 1575, G replaced by C.
Molecular consequence: intron variant.
Genome position (GRCh38, 1-based): chr16:15,757,822, C>G on the plus strand (G>C on the coding strand, the complement: MYH11 is on the minus strand). VCF-style: chr16-15757822-C-G. GRCh37 (hg19) VCF-style: chr16-15851679-C-G.
Other names: c.1575+5G>C (NM_022844.3); c.1596+5G>C (NM_001040114.2, NM_001040113.2).
Identifiers: ClinVar variation 4527299 (VCV004527299.2).